The following is an entry in ClinVar:

ClinVar aggregate classification (germline): Uncertain significance (1 of 4 stars; one submission).

Conditions:
Frontotemporal dementia and/or amyotrophic lateral sclerosis 1 (FTDALS1). Also called: Frontotemporal dementia with motor neuron disease 1; C9orf72 Frontotemporal Dementia and/or Amyotrophic Lateral Sclerosis. Identifiers: Orphanet 275872, MedGen C5779877, MONDO:0007105, OMIM 105550.
Paget disease of bone 2, early-onset (PDB2). Also called: Paget disease of bone 2. Identifiers: MedGen C4085251, MONDO:0011183, OMIM 602080.

Submission:

Labcorp Genetics (formerly Invitae), Labcorp
Classification: Uncertain significance for Paget disease of bone 2, early-onset; Frontotemporal dementia and/or amyotrophic lateral sclerosis 1. Last evaluated: 2023-03-02. Review status: criteria provided, single submitter. Criteria: Invitae Variant Classification Sherloc (09022015). Collection method: clinical testing. Allele origin: germline.
Comment: In summary, the available evidence is currently insufficient to determine the role of this variant in disease. Therefore, it has been classified as a Variant of Uncertain Significance. Advanced modeling of protein sequence and biophysical properties (such as structural, functional, and spatial information, amino acid conservation, physicochemical variation, residue mobility, and thermodynamic stability) performed at Invitae indicates that this missense variant is not expected to disrupt SQSTM1 protein function. This variant has not been reported in the literature in individuals affected with SQSTM1-related conditions. This variant is not present in population databases (gnomAD no frequency). This sequence change replaces serine, which is neutral and polar, with asparagine, which is neutral and polar, at codon 170 of the SQSTM1 protein (p.Ser170Asn).

NM_003900.5(SQSTM1):c.509G>A (p.Ser170Asn)

Gene: SQSTM1 (sequestosome 1; plus strand). Cytogenetic location: 5q35.3.
Variant type: single nucleotide variant.
Coding change: c.509G>A on transcript NM_003900.5 (MANE Select); coding-DNA position 509, G replaced by A.
Protein change: p.Ser170Asn; replaces serine 170 with asparagine.
Molecular consequence: missense variant.
Genome position (GRCh38, 1-based): chr5:179,824,065, G>A. VCF-style: chr5-179824065-G-A. GRCh37 (hg19) VCF-style: chr5-179251065-G-A.
Other names: c.257G>A, p.Ser86Asn (NM_001142298.2, NM_001142299.2); short protein forms S170N, S86N.
Identifiers: ClinVar variation 2944764 (VCV002944764.3), dbSNP rs2480214394, ClinGen allele CA362445060.